The following is an entry in ClinVar:

NM_005562.3(LAMC2):c.1715-2A>G

Gene: LAMC2 (laminin subunit gamma 2; plus strand). Cytogenetic location: 1q25.3.
Variant type: single nucleotide variant.
Coding change: c.1715-2A>G on transcript NM_005562.3 (MANE Select); the canonical splice acceptor site of the intron before coding-DNA position 1715, A replaced by G.
Molecular consequence: splice acceptor variant.
Genome position (GRCh38, 1-based): chr1:183,230,959, A>G. VCF-style: chr1-183230959-A-G. GRCh37 (hg19) VCF-style: chr1-183200094-A-G.
Other names: c.1715-2A>G (NM_018891.3).
Identifiers: ClinVar variation 1066955 (VCV001066955.11), dbSNP rs769983361, ClinGen allele CA1282711.

ClinVar aggregate classification (germline): Likely pathogenic. Review status: criteria provided, multiple submitters, no conflicts (2 of 4 stars). 3 submissions from 3 submitters: Likely pathogenic (3). Last evaluated 2024-06-07.

Conditions:
Epidermolysis bullosa, junctional 3A, intermediate. Also called: EPIDERMOLYSIS BULLOSA, JUNCTIONAL 3A, GENERALIZED INTERMEDIATE; EPIDERMOLYSIS BULLOSA, JUNCTIONAL 3A, NON-HERLITZ TYPE. Identifiers: MedGen C5676938, MONDO:0030748, OMIM 619785.
Epidermolysis bullosa, junctional 3B, severe. Also called: EPIDERMOLYSIS BULLOSA, JUNCTIONAL 3B, GENERALIZED SEVERE; EPIDERMOLYSIS BULLOSA, JUNCTIONAL 3B, HERLITZ TYPE. Identifiers: MedGen C5676939, MONDO:0030749, OMIM 619786.

Allele frequency attached by ClinVar (database versions not stated): gnomAD exomes below 0.00001 and 0.00002; TOPMed below 0.00001; ExAC 0.00001; gnomAD 0.00001.
gnomAD v4.1: 7 of 1,614,030 alleles (0.00043%); highest among the groups gnomAD compares: East Asian, 0.016%; no homozygotes.

Submissions (3):

Fulgent Genetics
Classification: Likely pathogenic for Epidermolysis bullosa, junctional 3A, intermediate; Epidermolysis bullosa, junctional 3B, severe. Last evaluated: 2024-06-07. Review status: criteria provided, single submitter. Criteria: ACMG Guidelines, 2015. Collection method: clinical testing. Allele origin: germline.

Labcorp Genetics (formerly Invitae), Labcorp
Classification: Likely pathogenic. Last evaluated: 2024-01-24. Review status: criteria provided, single submitter. Criteria: Invitae Variant Classification Sherloc (09022015). Collection method: clinical testing. Allele origin: germline.
Comment: This sequence change affects an acceptor splice site in intron 11 of the LAMC2 gene. It is expected to disrupt RNA splicing. Variants that disrupt the donor or acceptor splice site typically lead to a loss of protein function (PMID: 16199547), and loss-of-function variants in LAMC2 are known to be pathogenic (PMID: 11907499, 16473856). This variant is present in population databases (rs769983361, gnomAD 0.03%). This variant has not been reported in the literature in individuals affected with LAMC2-related conditions. ClinVar contains an entry for this variant (Variation ID: 1066955). Algorithms developed to predict the effect of sequence changes on RNA splicing suggest that this variant may disrupt the consensus splice site. In summary, the currently available evidence indicates that the variant is pathogenic, but additional data are needed to prove that conclusively. Therefore, this variant has been classified as Likely Pathogenic.

Revvity Omics, Revvity
Classification: Likely pathogenic. Last evaluated: 2021-04-23. Review status: criteria provided, single submitter. Criteria: ACMG Guidelines, 2015. Collection method: clinical testing. Allele origin: germline.

Literature cited by the submitters: PubMed 16199547 (cited by Labcorp Genetics (formerly Invitae), Labcorp); PubMed 11907499 (cited by Labcorp Genetics (formerly Invitae), Labcorp); PubMed 16473856 (cited by Labcorp Genetics (formerly Invitae), Labcorp).